The following is an entry in ClinVar:

NM_001009944.3(PKD1):c.9202-7C>T

Gene: PKD1 (polycystin 1, transient receptor potential channel interacting; minus strand). Cytogenetic location: 16p13.3.
Variant type: single nucleotide variant.
Coding change: c.9202-7C>T on transcript NM_001009944.3 (MANE Select); 7 bases into the intron before coding-DNA position 9202, C replaced by T.
Molecular consequence: intron variant.
Genome position (GRCh38, 1-based): chr16:2,102,263, G>A on the plus strand (C>T on the coding strand, the complement: PKD1 is on the minus strand). VCF-style: chr16-2102263-G-A. GRCh37 (hg19) VCF-style: chr16-2152264-G-A.
Other names: c.9202-7C>T (NM_000296.4).
Identifiers: ClinVar variation 4989013 (VCV004989013.1).

ClinVar aggregate classification (germline): Likely benign (1 of 4 stars; one submission).

Conditions:
PKD1-related disorder. Also called: PKD1-related condition.

Submission:

PreventionGenetics, part of Exact Sciences
Classification: Likely benign for PKD1-related condition. Last evaluated: 2026-07-14. Review status: criteria provided, single submitter. Criteria: ACMG Guidelines, 2015. Collection method: clinical testing. Allele origin: germline.
Comment: This variant is classified as likely benign based on ACMG/AMP sequence variant interpretation guidelines (Richards et al. 2015 PMID: 25741868, with internal and published modifications).